The following is an entry in ClinVar:

ClinVar aggregate classification (germline): Uncertain significance (1 of 4 stars; one submission).

Conditions:
EP300-related disorder. Also called: EP300-related disorders; EP300-related condition.

gnomAD v4.1: 3 of 1,613,918 alleles (0.00019%); highest among the groups gnomAD compares: Non-Finnish European, 0.00025%; no homozygotes.

Submission:

PreventionGenetics, part of Exact Sciences
Classification: Uncertain significance for EP300-related condition. Last evaluated: 2025-08-27. Review status: criteria provided, single submitter. Criteria: ACMG Guidelines, 2015. Collection method: clinical testing. Allele origin: germline.
Comment: The EP300 c.6558G>T variant is predicted to result in the amino acid substitution p.Gln2186His. To our knowledge, this variant has not been reported in the literature or in a large population database (gnomAD), indicating this variant is rare. At this time, the clinical significance of this variant is uncertain due to the absence of conclusive functional and genetic evidence.

NM_001429.4(EP300):c.6558G>T (p.Gln2186His)

Gene: EP300 (EP300 lysine acetyltransferase; plus strand). Cytogenetic location: 22q13.2.
Variant type: single nucleotide variant.
Coding change: c.6558G>T on transcript NM_001429.4 (MANE Select); coding-DNA position 6558, G replaced by T.
Protein change: p.Gln2186His; replaces glutamine 2186 with histidine.
Molecular consequence: missense variant.
Genome position (GRCh38, 1-based): chr22:41,178,269, G>T. VCF-style: chr22-41178269-G-T. GRCh37 (hg19) VCF-style: chr22-41574273-G-T.
Other names: c.6480G>T, p.Gln2160His (NM_001362843.2); short protein forms Q2186H, Q2160H.
Identifiers: ClinVar variation 5002471 (VCV005002471.1).
Genomic context (GRCh38, chr22:41,178,269, plus strand): 5'-GCAGATGAACATGAACCACAACACCATGCCTTCACAATTCCGAGACATCTTGAGACGACA[G>T]CAAATGATGCAACAGCAGCAGCAACAGGGAGCAGGGCCAGGAATAGGCCCTGGAATGGCC-3'
Protein context (NP_001420.2, residues 2176-2196): PSQFRDILRR[Gln2186His]QMMQQQQQQG